The following is an entry in ClinVar:

NM_001005373.4(LRSAM1):c.184G>A (p.Val62Ile)

Gene: LRSAM1 (leucine rich repeat and sterile alpha motif containing 1; plus strand). Cytogenetic location: 9q33.3.
Variant type: single nucleotide variant.
Coding change: c.184G>A on transcript NM_001005373.4 (MANE Select); coding-DNA position 184, G replaced by A.
Protein change: p.Val62Ile; replaces valine 62 with isoleucine.
Molecular consequence: missense variant. On other transcripts: 5 prime UTR variant (1), non-coding transcript variant (2).
Genome position (GRCh38, 1-based): chr9:127,457,325, G>A. VCF-style: chr9-127457325-G-A. GRCh37 (hg19) VCF-style: chr9-130219604-G-A.
Other names: c.184G>A, p.Val62Ile (NM_001005374.4, NM_001190723.3, NM_001384142.1 and 2 more transcripts); c.-601G>A (NM_001384144.1); short protein forms V62I.
Identifiers: ClinVar variation 245795 (VCV000245795.10), dbSNP rs570688892, ClinGen allele CA5246438.

ClinVar aggregate classification (germline): Uncertain significance. Review status: criteria provided, multiple submitters, no conflicts (2 of 4 stars). 2 submissions from 2 submitters: Uncertain significance (2). Last evaluated 2025-10-01.

Conditions:
Charcot-Marie-Tooth disease axonal type 2P. Also called: CHARCOT-MARIE-TOOTH NEUROPATHY, TYPE 2P; Charcot-Marie-Tooth Neuropathy Type 2G; CHARCOT-MARIE-TOOTH DISEASE, AXONAL, TYPE 2G; CMT 2G. Identifiers: Orphanet 300319, Orphanet 99941, MedGen C3280797, MONDO:0013753, OMIM 614436.

Allele frequency attached by ClinVar (database versions not stated): gnomAD 0.00001 and 0.00002; ExAC 0.00002; gnomAD exomes 0.00002; TOPMed 0.00002; 1000 Genomes Project 0.00020; 1000 Genomes Project 30x 0.00031.
gnomAD v4.1: 37 of 1,614,116 alleles (0.0023%); highest among the groups gnomAD compares: East Asian, 0.0045%; no homozygotes.

Submissions (2):

Labcorp Genetics (formerly Invitae), Labcorp
Classification: Uncertain significance for Charcot-Marie-Tooth disease axonal type 2P. Last evaluated: 2025-10-01. Review status: criteria provided, single submitter. Criteria: Invitae Variant Classification Sherloc (09022015). Collection method: clinical testing. Allele origin: germline.
Comment: This sequence change replaces valine, which is neutral and non-polar, with isoleucine, which is neutral and non-polar, at codon 62 of the LRSAM1 protein (p.Val62Ile). This variant is present in population databases (rs570688892, gnomAD 0.006%). This variant has not been reported in the literature in individuals affected with LRSAM1-related conditions. ClinVar contains an entry for this variant (Variation ID: 245795). Invitae Evidence Modeling of protein sequence and biophysical properties (such as structural, functional, and spatial information, amino acid conservation, physicochemical variation, residue mobility, and thermodynamic stability) indicates that this missense variant is not expected to disrupt LRSAM1 protein function with a negative predictive value of 80%. In summary, the available evidence is currently insufficient to determine the role of this variant in disease. Therefore, it has been classified as a Variant of Uncertain Significance.

GeneDx
Classification: Uncertain significance. Last evaluated: 2015-06-10. Review status: criteria provided, single submitter. Criteria: GeneDx Variant Classification (06012015). Collection method: clinical testing. Allele origin: germline. Affected: yes.
Comment: The V62I variant has not been published as pathogenic, nor has it been reported as a benign polymorphism to our knowledge. It was not observed in approximately 6,500 individuals of European and African American ancestry in the NHLBI Exome Sequencing Project, indicating it is not a common benign variant in these populations. V62I was not observed with any significant frequency in the 1000 Genomes Database. The V62I variant is a conservative amino acid substitution, which is not likely to impact secondary protein structure as these residues share similar properties. This substitution occurs at a position where amino acids with similar properties to Valine are tolerated across species, and Isoleucine is observed at this position in evolution. In silico analysis predicts this variant likely does not alter the protein structure/function. Additionally, missense variants in the LRSAM1 gene have not been reported in association with neuropathy (Stenson et al., 2014). Therefore, based on the currently available information, it is unclear whether this variant is a pathogenic or a rare benign variant.